The following is an entry in ClinVar:

NM_006080.3(SEMA3A):c.9G>C (p.Trp3Cys)

Gene: SEMA3A (semaphorin 3A; minus strand). Cytogenetic location: 7q21.11.
Variant type: single nucleotide variant.
Coding change: c.9G>C on transcript NM_006080.3 (MANE Select); coding-DNA position 9, G replaced by C.
Protein change: p.Trp3Cys; replaces tryptophan 3 with cysteine.
Molecular consequence: missense variant.
Genome position (GRCh38, 1-based): chr7:84,194,578, C>G on the plus strand (G>C on the coding strand, the complement: SEMA3A is on the minus strand). VCF-style: chr7-84194578-C-G. GRCh37 (hg19) VCF-style: chr7-83823894-C-G.
Other names: short protein forms W3C.
Identifiers: ClinVar variation 2769220 (VCV002769220.17), dbSNP rs78084522, ClinGen allele CA4323138.
Genomic context (GRCh38, chr7:84,194,578, plus strand): 5'-CTGATAGTTTGCTCTTGCTGTAAGTAATACTCCCCAGAAAAGACAGACAATCCTAGTTAA[C>G]CAGCCCATGCTGCAGACGCTGTAGGTCCCTTTGCTGCTTTAGTCTTCCTTCCTGTATTGT-3'
Protein context (NP_006071.1, residues 1-13): MG[Trp3Cys]LTRIVCLFWG

ClinVar aggregate classification (germline): Likely benign. Review status: criteria provided, multiple submitters, no conflicts (2 of 4 stars). 3 submissions from 3 submitters: Likely benign (3). Last evaluated 2026-06-04.

Allele frequency attached by ClinVar (database versions not stated): ExAC 0.00045; 1000 Genomes Project 0.00100; 1000 Genomes Project 30x 0.00109; gnomAD 0.00136; TOPMed 0.00151; ESP Exome Variant Server 0.00231.
gnomAD v4.1: 437 of 1,603,692 alleles (0.027%); highest among the groups gnomAD compares: African/African-American, 0.5%; 1 homozygote.

Submissions (3):

Women's Health and Genetics/Laboratory Corporation of America, LabCorp
Classification: Likely benign. Last evaluated: 2026-06-04. Review status: criteria provided, single submitter. Criteria: LabCorp Variant Classification Summary - May 2015. Collection method: clinical testing. Allele origin: germline.
Comment: Variant summary: SEMA3A c.9G>C (p.Trp3Cys) results in a non-conservative amino acid change in the encoded protein sequence. Algorithms developed to predict the effect of missense changes on protein structure and function are either unavailable or do not agree on the potential impact of this missense change. The variant allele was found at a frequency of 0.00036 in 251194 control chromosomes, predominantly at a frequency of 0.0049 within the African or African-American subpopulation in the gnomAD database. The observed variant frequency within African or African-American control individuals in the gnomAD database exceeds the estimated maximal expected allele frequency for disease-causing variants in SEMA3A. c.9G>C has been observed in individual(s) affected with disorders of sex development, without strong evidence for causality (example, Zidoune_2022). These report(s) do not provide unequivocal conclusions about association of the variant with disease. To our knowledge, no experimental evidence demonstrating an impact on protein function has been reported. The following publication has been ascertained in the context of this evaluation (PMID: 36110220). ClinVar contains an entry for this variant (Variation ID: 2769220). Based on the evidence outlined above, the variant was classified as likely benign.

Labcorp Genetics (formerly Invitae), Labcorp
Classification: Likely benign. Last evaluated: 2025-08-21. Review status: criteria provided, single submitter. Criteria: Invitae Variant Classification Sherloc (09022015). Collection method: clinical testing. Allele origin: germline.

CeGaT Center for Human Genetics Tuebingen
Classification: Likely benign. Last evaluated: 2025-02-01. Review status: criteria provided, single submitter. Criteria: CeGaT Center For Human Genetics Tuebingen Variant Classification Criteria Version 2. Collection method: clinical testing. Allele origin: germline. Affected: yes. Observed: 1 variant allele.
Comment: SEMA3A: BP4

Literature cited by the submitters: PubMed 36110220 (cited by Women's Health and Genetics/Laboratory Corporation of America, LabCorp).